The following is an entry in ClinVar:

ClinVar aggregate classification (germline): Benign. Review status: criteria provided, multiple submitters, no conflicts (2 of 4 stars). 2 submissions from 2 submitters: Benign (2). Last evaluated 2018-06-14.

Allele frequency attached by ClinVar (database versions not stated): gnomAD exomes 0.55046; gnomAD 0.56659 and 0.57355; TOPMed 0.58133; 1000 Genomes Project 30x 0.64507; 1000 Genomes Project 0.64736.
gnomAD v4.1: 840,059 of 1,519,354 alleles (55%); highest among the groups gnomAD compares: East Asian, 83%; 236,500 homozygotes.

Submissions (2):

GeneDx
Classification: Benign. Last evaluated: 2018-06-14. Review status: criteria provided, single submitter. Criteria: GeneDx Variant Classification (06012015). Collection method: clinical testing. Allele origin: germline. Affected: yes.
Comment: This variant is considered likely benign or benign based on one or more of the following criteria: it is a conservative change, it occurs at a poorly conserved position in the protein, it is predicted to be benign by multiple in silico algorithms, and/or has population frequency not consistent with disease.

Breakthrough Genomics
Classification: Benign. Review status: criteria provided, single submitter. Criteria: ACMG Guidelines, 2015. Collection method: not provided. Allele origin: germline. Inheritance: Autosomal recessive inheritance. Affected: yes.

NM_020433.5(JPH2):c.379+8538T>A

Gene: JPH2 (junctophilin 2; minus strand). Cytogenetic location: 20q13.12.
Variant type: single nucleotide variant.
Coding change: c.379+8538T>A on transcript NM_020433.5 (MANE Select); 8538 bases into the intron after coding-DNA position 379, T replaced by A.
Molecular consequence: intron variant. On other transcripts: 3 prime UTR variant (1).
Genome position (GRCh38, 1-based): chr20:44,177,789, A>T on the plus strand (T>A on the coding strand, the complement: JPH2 is on the minus strand). VCF-style: chr20-44177789-A-T. GRCh37 (hg19) VCF-style: chr20-42806429-A-T.
Other names: c.*173T>A (NM_175913.4).
Identifiers: ClinVar variation 672701 (VCV000672701.2), dbSNP rs2064381, ClinGen allele CA14798750.